The following is an entry in ClinVar:

NM_004924.6(ACTN4):c.819+1074C>T

Gene: ACTN4 (actinin alpha 4; plus strand). Cytogenetic location: 19q13.2.
Variant type: single nucleotide variant.
Coding change: c.819+1074C>T on transcript NM_004924.6 (MANE Select); 1074 bases into the intron after coding-DNA position 819, C replaced by T.
Molecular consequence: intron variant.
Genome position (GRCh38, 1-based): chr19:38,711,416, C>T. VCF-style: chr19-38711416-C-T. GRCh37 (hg19) VCF-style: chr19-39202056-C-T.
Other names: c.819+55C>T (NM_001411143.1, NM_001322033.2).
Identifiers: ClinVar variation 3255302 (VCV003255302.2), dbSNP rs73038918.
Genomic context (GRCh38, chr19:38,711,416, plus strand): 5'-CAGAAGGTGAGCTGGGCCAGGCACACCTCGCTGCTGGGGCTGCAGACCTGCCTTCACCAC[C>T]GCCCTTGCATCACCGCTGGCCATCTGTGGTTGGAGCCCTGGCCAGGCCGTGGGCCGCCAC-3'

ClinVar aggregate classification (germline): Benign (1 of 4 stars; one submission).

Allele frequency attached by ClinVar (database versions not stated): 1000 Genomes Project 30x 0.11321; 1000 Genomes Project 0.11422; TOPMed 0.14456; gnomAD 0.14737; gnomAD exomes 0.17070.
gnomAD v4.1: 145,779 of 875,050 alleles (17%); highest among the groups gnomAD compares: Middle Eastern, 31%; 12,843 homozygotes.

Submission:

Unidad de Genómica Garrahan, Hospital de Pediatría Garrahan
Classification: Benign. Last evaluated: 2024-07-15. Review status: criteria provided, single submitter. Criteria: ACMG Guidelines, 2015. Collection method: clinical testing. Allele origin: germline. Affected: no. Observed: 25 variant alleles.
Comment: This variant is classified as Benign based on local population frequency. This variant was detected in 27% of patients studied in a panel designed for Epileptic and Developmental Encephalopathy and Progressive Myoclonus Epilepsy. Number of patients: 25. Only high quality variants are reported.